The following is an entry in ClinVar:

ClinVar aggregate classification (germline): Uncertain significance (1 of 4 stars; one submission).

Conditions:
Periodic fever-infantile enterocolitis-autoinflammatory syndrome. Also called: Autoinflammation with infantile enterocolitis. Identifiers: Orphanet 436166, MedGen C4015067, MONDO:0014472, OMIM 616050.
Familial cold autoinflammatory syndrome 4 (FCAS4). Identifiers: Orphanet 47045, Orphanet 576349, MedGen C4015276, MONDO:0014498, OMIM 616115.

Allele frequency attached by ClinVar (database versions not stated): gnomAD exomes below 0.00001; TOPMed below 0.00001.
gnomAD v4.1: 1 of 1,614,192 alleles (0.000062%); highest among the groups gnomAD compares: Non-Finnish European, 0.000085%; no homozygotes.

Submission:

Labcorp Genetics (formerly Invitae), Labcorp
Classification: Uncertain significance for Periodic fever-infantile enterocolitis-autoinflammatory syndrome; Familial cold autoinflammatory syndrome 4. Last evaluated: 2022-03-29. Review status: criteria provided, single submitter. Criteria: Invitae Variant Classification Sherloc (09022015). Collection method: clinical testing. Allele origin: germline.
Comment: In summary, the available evidence is currently insufficient to determine the role of this variant in disease. Therefore, it has been classified as a Variant of Uncertain Significance. Algorithms developed to predict the effect of missense changes on protein structure and function are either unavailable or do not agree on the potential impact of this missense change (SIFT: "Deleterious"; PolyPhen-2: "Benign"; Align-GVGD: "Class C0"). This variant has not been reported in the literature in individuals affected with NLRC4-related conditions. This variant is present in population databases (no rsID available, gnomAD 0.0009%). This sequence change replaces arginine, which is basic and polar, with serine, which is neutral and polar, at codon 647 of the NLRC4 protein (p.Arg647Ser).

NM_001199138.2(NLRC4):c.1941G>T (p.Arg647Ser)

Gene: NLRC4 (NLR family CARD domain containing 4; minus strand). Cytogenetic location: 2p22.3.
Variant type: single nucleotide variant.
Coding change: c.1941G>T on transcript NM_001199138.2 (MANE Select); coding-DNA position 1941, G replaced by T.
Protein change: p.Arg647Ser; replaces arginine 647 with serine.
Molecular consequence: missense variant. On other transcripts: intron variant (1).
Genome position (GRCh38, 1-based): chr2:32,249,923, C>A on the plus strand (G>T on the coding strand, the complement: NLRC4 is on the minus strand). VCF-style: chr2-32249923-C-A. GRCh37 (hg19) VCF-style: chr2-32474992-C-A.
Other names: c.1941G>T, p.Arg647Ser (NM_001199139.2, NM_021209.5); c.262+2496G>T (NM_001302504.1); short protein forms R647S.
Identifiers: ClinVar variation 1957574 (VCV001957574.5), dbSNP rs1251654234, ClinGen allele CA346511360.
Genomic context (GRCh38, chr2:32,249,923, plus strand): 5'-CCGGAGTGTGACCTCCAGAGTCCTGAATTCCTGCTTCCAGTTGAAGAACAAAGATACAGC[C>A]CTGCTGGGAATGTAGGTTTCTGGGGCCTCTTCCATGTGGATTCCACCTGTGTCTTCTGCA-3'
Protein context (NP_001186067.1, residues 637-657): EEAPETYIPS[Arg647Ser]AVSLFFNWKQ